The following is an entry in ClinVar:

NM_175875.5(SIX5):c.1867C>T (p.Pro623Ser)

Gene: SIX5 (SIX homeobox 5; minus strand). Cytogenetic location: 19q13.32.
Variant type: single nucleotide variant.
Coding change: c.1867C>T on transcript NM_175875.5 (MANE Select); coding-DNA position 1867, C replaced by T.
Protein change: p.Pro623Ser; replaces proline 623 with serine.
Molecular consequence: missense variant.
Genome position (GRCh38, 1-based): chr19:45,765,854, G>A on the plus strand (C>T on the coding strand, the complement: SIX5 is on the minus strand). VCF-style: chr19-45765854-G-A. GRCh37 (hg19) VCF-style: chr19-46269112-G-A.
Other names: short protein forms P623S.
Identifiers: ClinVar variation 4811536 (VCV004811536.1).

ClinVar aggregate classification (germline): Uncertain significance (1 of 4 stars; one submission).

gnomAD v4.1: 9 of 1,598,784 alleles (0.00056%); highest among the groups gnomAD compares: South Asian, 0.0022%; no homozygotes.

Submission:

Labcorp Genetics (formerly Invitae), Labcorp
Classification: Uncertain significance. Last evaluated: 2025-12-16. Review status: criteria provided, single submitter. Criteria: Invitae Variant Classification Sherloc (09022015). Collection method: clinical testing. Allele origin: germline.
Comment: This sequence change replaces proline, which is neutral and non-polar, with serine, which is neutral and polar, at codon 623 of the SIX5 protein (p.Pro623Ser). This variant is present in population databases (no rsID available, gnomAD 0.003%). This variant has not been reported in the literature in individuals affected with SIX5-related conditions. Invitae Evidence Modeling of protein sequence and biophysical properties (such as structural, functional, and spatial information, amino acid conservation, physicochemical variation, residue mobility, and thermodynamic stability) indicates that this missense variant is not expected to disrupt SIX5 protein function with a negative predictive value of 80%. In summary, the available evidence is currently insufficient to determine the role of this variant in disease. Therefore, it has been classified as a Variant of Uncertain Significance.